The following is an entry in ClinVar:

NM_005984.5(SLC25A1):c.894T>C (p.Asp298=)

Gene: SLC25A1 (solute carrier family 25 member 1; minus strand). Cytogenetic location: 22q11.21.
Variant type: single nucleotide variant.
Coding change: c.894T>C on transcript NM_005984.5 (MANE Select); coding-DNA position 894, T replaced by C.
Protein change: p.Asp298=; no amino-acid change (aspartic acid 298 retained).
Molecular consequence: synonymous variant. On other transcripts: non-coding transcript variant (1).
Genome position (GRCh38, 1-based): chr22:19,176,172, A>G on the plus strand (T>C on the coding strand, the complement: SLC25A1 is on the minus strand). VCF-style: chr22-19176172-A-G. GRCh37 (hg19) VCF-style: chr22-19163685-A-G.
Other names: c.915T>C, p.Asp305= (NM_001256534.2); c.585T>C, p.Asp195= (NM_001287387.2).
Identifiers: ClinVar variation 159909 (VCV000159909.58), dbSNP rs144180074, ClinGen allele CA173465.

ClinVar aggregate classification (germline): Benign/Likely benign. Review status: criteria provided, multiple submitters, no conflicts (2 of 4 stars). 8 submissions from 8 submitters: Benign (3); Likely benign (1). 4 of the submissions do not count toward it. Last evaluated 2026-06-01.

Conditions:
SLC25A1-related disorder. Also called: SLC25A1-related condition.

Allele frequency attached by ClinVar (database versions not stated): 1000 Genomes Project 0.00339; gnomAD 0.00340 and 0.00350; 1000 Genomes Project 30x 0.00390; gnomAD exomes 0.00390 and 0.00354; TOPMed 0.00451; ExAC 0.00370; ESP Exome Variant Server 0.00377.
gnomAD v4.1: 6,305 of 1,613,856 alleles (0.39%); highest among the groups gnomAD compares: Middle Eastern, 0.97%; 23 homozygotes.

Submissions (8):

CeGaT Center for Human Genetics Tuebingen
Classification: Likely benign. Last evaluated: 2026-06-01. Review status: criteria provided, single submitter. Criteria: CeGaT Center For Human Genetics Tuebingen Variant Classification Criteria Version 2. Collection method: clinical testing. Allele origin: germline. Affected: yes. Observed: 19 variant alleles.
Comment: SLC25A1: BP4, BP7, BS2

Labcorp Genetics (formerly Invitae), Labcorp
Classification: Benign. Last evaluated: 2026-01-26. Review status: criteria provided, single submitter. Criteria: Invitae Variant Classification Sherloc (09022015). Collection method: clinical testing. Allele origin: germline.

Genetic Services Laboratory, University of Chicago
Classification: Benign. Last evaluated: 2017-11-08. Review status: criteria provided, single submitter. Criteria: ACMG Guidelines, 2015. Collection method: clinical testing. Allele origin: germline. Affected: no.

GeneDx
Classification: Benign. Last evaluated: 2016-10-11. Review status: criteria provided, single submitter. Criteria: GeneDx Variant Classification (06012015). Collection method: clinical testing. Allele origin: germline. Affected: yes.
Comment: This variant is considered likely benign or benign based on one or more of the following criteria: it is a conservative change, it occurs at a poorly conserved position in the protein, it is predicted to be benign by multiple in silico algorithms, and/or has population frequency not consistent with disease.

PreventionGenetics, part of Exact Sciences
Classification: Likely benign for SLC25A1-related condition. Last evaluated: 2020-02-21. Review status: no assertion criteria provided. Collection method: clinical testing. Allele origin: germline. Not counted in ClinVar's aggregate classification.
Comment: This variant is classified as likely benign based on ACMG/AMP sequence variant interpretation guidelines (Richards et al. 2015 PMID: 25741868, with internal and published modifications).

Mayo Clinic Laboratories, Mayo Clinic
Classification: Likely benign. Last evaluated: 2016-02-19. Review status: no assertion criteria provided. Collection method: clinical testing. Allele origin: unknown. Not counted in ClinVar's aggregate classification.

Clinical Genetics DNA and cytogenetics Diagnostics Lab, Erasmus MC, Erasmus Medical Center
Classification: Likely benign. Review status: no assertion criteria provided. Collection method: clinical testing. Allele origin: germline. Affected: yes. Study: VKGL Data-share Consensus. Not counted in ClinVar's aggregate classification.

Genome Diagnostics Laboratory, University Medical Center Utrecht
Classification: Benign. Review status: no assertion criteria provided. Collection method: clinical testing. Allele origin: germline. Affected: yes. Study: VKGL Data-share Consensus. Not counted in ClinVar's aggregate classification.